The following is an entry in ClinVar:

ClinVar aggregate classification (germline): Uncertain significance (1 of 4 stars; one submission).

Submission:

Labcorp Genetics (formerly Invitae), Labcorp
Classification: Uncertain significance. Last evaluated: 2025-05-19. Review status: criteria provided, single submitter. Criteria: Invitae Variant Classification Sherloc (09022015). Collection method: clinical testing. Allele origin: germline.
Comment: This sequence change replaces glutamic acid, which is acidic and polar, with valine, which is neutral and non-polar, at codon 60 of the VCAN protein (p.Glu60Val). This variant is not present in population databases (gnomAD no frequency). This variant has not been reported in the literature in individuals affected with VCAN-related conditions. ClinVar contains an entry for this variant (Variation ID: 1970582). An algorithm developed to predict the effect of missense changes on protein structure and function (PolyPhen-2) suggests that this variant is likely to be disruptive. In summary, the available evidence is currently insufficient to determine the role of this variant in disease. Therefore, it has been classified as a Variant of Uncertain Significance.

NM_004385.5(VCAN):c.179A>T (p.Glu60Val)

Gene: VCAN (versican; plus strand). Cytogenetic location: 5q14.2.
Variant type: single nucleotide variant.
Coding change: c.179A>T on transcript NM_004385.5 (MANE Select); coding-DNA position 179, A replaced by T.
Protein change: p.Glu60Val; replaces glutamic acid 60 with valine.
Molecular consequence: missense variant.
Genome position (GRCh38, 1-based): chr5:83,490,206, A>T. VCF-style: chr5-83490206-A-T. GRCh37 (hg19) VCF-style: chr5-82786025-A-T.
Other names: c.179A>T, p.Glu60Val (NM_001126336.3, NM_001164097.2, NM_001164098.2); short protein forms E60V.
Identifiers: ClinVar variation 1970582 (VCV001970582.5), dbSNP rs2478963868, ClinGen allele CA360295127.